The following is an entry in ClinVar:

ClinVar aggregate classification (germline): Pathogenic (1 of 4 stars; one submission).

Conditions:
Wilms tumor 1 (WT1). Also called: Wilms tumor, somatic. Identifiers: Orphanet 654, MedGen CN033288, MONDO:0008679, OMIM 194070.

Submission:

Labcorp Genetics (formerly Invitae), Labcorp
Classification: Pathogenic for Wilms tumor 1. Last evaluated: 2023-07-12. Review status: criteria provided, single submitter. Criteria: Invitae Variant Classification Sherloc (09022015). Collection method: clinical testing. Allele origin: germline.
Comment: This sequence change creates a premature translational stop signal (p.Ser17Alafs*67) in the GPC3 gene. It is expected to result in an absent or disrupted protein product. Loss-of-function variants in GPC3 are known to be pathogenic (PMID: 10402475, 12713262, 17603795). This variant is not present in population databases (gnomAD no frequency). This variant has not been reported in the literature in individuals affected with GPC3-related conditions. For these reasons, this variant has been classified as Pathogenic.

Literature cited by the submitters: PubMed 10402475; PubMed 12713262; PubMed 17603795.

NM_004484.4(GPC3):c.49del (p.Ser17fs)

Gene: GPC3 (glypican 3; minus strand). Cytogenetic location: Xq26.2.
Variant type: Deletion.
Coding change: c.49del on transcript NM_004484.4 (MANE Select); coding-DNA position 49, one base deleted (A; older notation c.49delA).
Protein change: p.Ser17fs; shifts the reading frame from serine 17.
Molecular consequence: frameshift variant.
Genome position (GRCh38, 1-based): chrX:133,985,401, T deleted on the plus strand (A on the coding strand, the reverse complement: GPC3 is on the minus strand). VCF-style (leftmost placement, unchanged base first): chrX-133985400-CT-C. GRCh37 (hg19) VCF-style: chrX-133119427-CT-C.
Other names: c.49del, p.Ser17fs (NM_001164617.2, NM_001164618.2, NM_001164619.2); short protein forms S17fs.
Identifiers: ClinVar variation 2742815 (VCV002742815.3), dbSNP rs2521972014, ClinGen allele CA2697544759.
Genomic context (GRCh38, chrX:133,985,400, plus strand): 5'-TGGTGACAGGTGGCGTCCGGCGGCGGCGGCGGGGGCTGCGCCTGTCCCGGGAAGTCCAAG[CT>C]GAGCAGCATCGCCACCACCAAGCACGCGGTGCGCACGGTCCCGGCCATCCTGCTTCGCAG-3'